The following is an entry in ClinVar:

NM_003579.4(RAD54L):c.1735G>C (p.Gly579Arg)

Gene: RAD54L (RAD54 like; plus strand). Cytogenetic location: 1p34.1.
Variant type: single nucleotide variant.
Coding change: c.1735G>C on transcript NM_003579.4 (MANE Select); coding-DNA position 1735, G replaced by C.
Protein change: p.Gly579Arg; replaces glycine 579 with arginine.
Molecular consequence: missense variant.
Genome position (GRCh38, 1-based): chr1:46,274,583, G>C. VCF-style: chr1-46274583-G-C. GRCh37 (hg19) VCF-style: chr1-46740255-G-C.
Other names: c.1735G>C, p.Gly579Arg (NM_001142548.2); c.1195G>C, p.Gly399Arg (NM_001370766.1); short protein forms G399R, G579R.
Identifiers: ClinVar variation 1779063 (VCV001779063.2), dbSNP rs1481025813, ClinGen allele CA340185359.

ClinVar aggregate classification (germline): Uncertain significance (1 of 4 stars; one submission).

Allele frequency attached by ClinVar (database versions not stated): gnomAD 0.00001; TOPMed 0.00001.
gnomAD v4.1: 1 of 1,613,458 alleles (0.000062%); highest among the groups gnomAD compares: African/African-American, 0.0013%; no homozygotes.

Submission:

Ambry Genetics
Classification: Uncertain significance. Last evaluated: 2021-08-12. Review status: criteria provided, single submitter. Criteria: Ambry Variant Classification Scheme 2023. Collection method: clinical testing. Allele origin: germline.
Comment: The p.G579R variant (also known as c.1735G>C), located in coding exon 16 of the RAD54L gene, results from a G to C substitution at nucleotide position 1735. The glycine at codon 579 is replaced by arginine, an amino acid with dissimilar properties. This amino acid position is conserved. In addition, this alteration is predicted to be deleterious by in silico analysis. Since supporting evidence is limited at this time, the clinical significance of this alteration remains unclear.